The following is an entry in ClinVar:

NM_144997.7(FLCN):c.1457T>C (p.Ile486Thr)

Gene: FLCN (folliculin; minus strand). Cytogenetic location: 17p11.2.
Variant type: single nucleotide variant.
Coding change: c.1457T>C on transcript NM_144997.7 (MANE Select); coding-DNA position 1457, T replaced by C.
Protein change: p.Ile486Thr; replaces isoleucine 486 with threonine.
Molecular consequence: missense variant.
Genome position (GRCh38, 1-based): chr17:17,215,066, A>G on the plus strand (T>C on the coding strand, the complement: FLCN is on the minus strand). VCF-style: chr17-17215066-A-G. GRCh37 (hg19) VCF-style: chr17-17118380-A-G.
Other names: c.1457T>C (LRG_325t1); c.1511T>C, p.Ile504Thr (NM_001353229.2); c.1457T>C, p.Ile486Thr (NM_001353230.2, NM_001353231.2); short protein forms I486T, I504T.
Identifiers: ClinVar variation 460598 (VCV000460598.9), dbSNP rs1555607026, ClinGen allele CA398530984.

ClinVar aggregate classification (germline): Uncertain significance (1 of 4 stars; one submission).

Conditions:
Birt-Hogg-Dube syndrome. Also called: Birt Hogg Dubé syndrome. Identifiers: Orphanet 122, MedGen C0346010, MONDO:0800444.

Allele frequency attached by ClinVar (database versions not stated): TOPMed below 0.00001; gnomAD 0.00001.

Submission:

Labcorp Genetics (formerly Invitae), Labcorp
Classification: Uncertain significance for Birt-Hogg-Dube syndrome. Last evaluated: 2024-10-17. Review status: criteria provided, single submitter. Criteria: Invitae Variant Classification Sherloc (09022015). Collection method: clinical testing. Allele origin: germline.
Comment: This sequence change replaces isoleucine, which is neutral and non-polar, with threonine, which is neutral and polar, at codon 486 of the FLCN protein (p.Ile486Thr). This variant is not present in population databases (gnomAD no frequency). This variant has not been reported in the literature in individuals affected with FLCN-related conditions. ClinVar contains an entry for this variant (Variation ID: 460598). Invitae Evidence Modeling of protein sequence and biophysical properties (such as structural, functional, and spatial information, amino acid conservation, physicochemical variation, residue mobility, and thermodynamic stability) indicates that this missense variant is not expected to disrupt FLCN protein function with a negative predictive value of 80%. In summary, the available evidence is currently insufficient to determine the role of this variant in disease. Therefore, it has been classified as a Variant of Uncertain Significance.